The following is an entry in ClinVar:

NM_002439.5(MSH3):c.712del (p.Glu238fs)

Gene: MSH3 (mutS homolog 3; plus strand). Cytogenetic location: 5q14.1.
Variant type: Deletion.
Coding change: c.712del on transcript NM_002439.5 (MANE Select); coding-DNA position 712, one base deleted (G; older notation c.712delG).
Protein change: p.Glu238fs; shifts the reading frame from glutamic acid 238.
Molecular consequence: frameshift variant.
Genome position (GRCh38, 1-based): chr5:80,670,229, G deleted. VCF-style (leftmost placement, unchanged base first): chr5-80670228-AG-A. GRCh37 (hg19) VCF-style: chr5-79966047-AG-A.
Other names: short protein forms E238fs.
Identifiers: ClinVar variation 2865440 (VCV002865440.3), dbSNP rs2546721177, ClinGen allele CA2739274808.

ClinVar aggregate classification (germline): Pathogenic (1 of 4 stars; one submission).

Submission:

Labcorp Genetics (formerly Invitae), Labcorp
Classification: Pathogenic. Last evaluated: 2023-05-18. Review status: criteria provided, single submitter. Criteria: Invitae Variant Classification Sherloc (09022015). Collection method: clinical testing. Allele origin: germline.
Comment: For these reasons, this variant has been classified as Pathogenic. This variant has not been reported in the literature in individuals affected with MSH3-related conditions. This variant is not present in population databases (gnomAD no frequency). This sequence change creates a premature translational stop signal (p.Glu238Lysfs*2) in the MSH3 gene. It is expected to result in an absent or disrupted protein product. Loss-of-function variants in MSH3 are known to be pathogenic (PMID: 27476653).

Literature cited by the submitters: PubMed 27476653.